The following is an entry in ClinVar:

NM_003477.3(PDHX):c.919T>C (p.Cys307Arg)

Gene: PDHX (pyruvate dehydrogenase complex component X; plus strand). Cytogenetic location: 11p13.
Variant type: single nucleotide variant.
Coding change: c.919T>C on transcript NM_003477.3 (MANE Select); coding-DNA position 919, T replaced by C.
Protein change: p.Cys307Arg; replaces cysteine 307 with arginine.
Molecular consequence: missense variant. On other transcripts: intron variant (1).
Genome position (GRCh38, 1-based): chr11:34,970,241, T>C. VCF-style: chr11-34970241-T-C. GRCh37 (hg19) VCF-style: chr11-34991788-T-C.
Other names: c.739T>C, p.Cys247Arg (NM_001135024.2); c.343-14329T>C (NM_001166158.2); short protein forms C247R, C307R.
Identifiers: ClinVar variation 2079016 (VCV002079016.4), dbSNP rs772736821, ClinGen allele CA380121857.

ClinVar aggregate classification (germline): Uncertain significance (1 of 4 stars; one submission).

Submission:

Labcorp Genetics (formerly Invitae), Labcorp
Classification: Uncertain significance. Last evaluated: 2022-01-11. Review status: criteria provided, single submitter. Criteria: Invitae Variant Classification Sherloc (09022015). Collection method: clinical testing. Allele origin: germline.
Comment: In summary, the available evidence is currently insufficient to determine the role of this variant in disease. Therefore, it has been classified as a Variant of Uncertain Significance. Algorithms developed to predict the effect of missense changes on protein structure and function are either unavailable or do not agree on the potential impact of this missense change (SIFT: "Deleterious"; PolyPhen-2: "Probably Damaging"; Align-GVGD: "Class C0"). This variant has not been reported in the literature in individuals affected with PDHX-related conditions. This variant is not present in population databases (gnomAD no frequency). This sequence change replaces cysteine, which is neutral and slightly polar, with arginine, which is basic and polar, at codon 307 of the PDHX protein (p.Cys307Arg).